The following is an entry in ClinVar:

NM_007294.4(BRCA1):c.4358C>G (p.Ala1453Gly)

Gene: BRCA1 (BRCA1 DNA repair associated; minus strand). Cytogenetic location: 17q21.31.
Variant type: single nucleotide variant.
Coding change: c.4358C>G on transcript NM_007294.4 (MANE Select); coding-DNA position 4358, C replaced by G.
Protein change: p.Ala1453Gly; replaces alanine 1453 with glycine.
Molecular consequence: missense variant. On other transcripts: intron variant (138).
Genome position (GRCh38, 1-based): chr17:43,076,614, G>C on the plus strand (C>G on the coding strand, the complement: BRCA1 is on the minus strand). VCF-style: chr17-43076614-G-C. GRCh37 (hg19) VCF-style: chr17-41228631-G-C.
Other names: c.914C>G, p.Ala305Gly (NM_001408451.1); c.908C>G, p.Ala303Gly (NM_001408452.1, NM_001408453.1, NM_001408454.1 and 3 more transcripts); c.923C>G, p.Ala308Gly (NM_001408443.1, NM_001408442.1, NM_001408444.1 and 5 more transcripts); c.4145C>G, p.Ala1382Gly (NM_001407571.1, NM_001407894.1, NM_001407895.1 and 8 more transcripts); c.4424C>G, p.Ala1475Gly (NM_001407581.1, NM_001407582.1); c.4421C>G, p.Ala1474Gly (NM_001407587.1); c.4358C>G, p.Ala1453Gly (NM_001407593.1, NM_001407594.1, NM_001407596.1 and 8 more transcripts); c.4355C>G, p.Ala1452Gly (NM_001407610.1, NM_001407611.1, NM_001407612.1 and 7 more transcripts); and 98 more; short protein forms A1340G, A1382G, A1386G, A1404G, A1405G, A1410G, A1412G, A1426G.
Identifiers: ClinVar variation 1739973 (VCV001739973.3), dbSNP rs1171055085, ClinGen allele CA10592827.

ClinVar aggregate classification (germline): Uncertain significance (1 of 4 stars; one submission).

Conditions:
Hereditary cancer-predisposing syndrome. Also called: Hereditary Cancer Syndrome; Hereditary neoplastic syndrome; Neoplastic Syndromes, Hereditary; Tumor predisposition. Identifiers: Orphanet 140162, MedGen C0027672, MeSH D009386, MONDO:0015356.

Submission:

Ambry Genetics
Classification: Uncertain significance for Hereditary cancer-predisposing syndrome. Last evaluated: 2024-09-09. Review status: criteria provided, single submitter. Criteria: Ambry Variant Classification Scheme 2023. Collection method: clinical testing. Allele origin: germline.
Comment: The p.A1453G variant (also known as c.4358C>G) is located in coding exon 12 of the BRCA1 gene. The alanine at codon 1453 is replaced by glycine, an amino acid with similar properties. This change occurs in the first base pair of coding exon 12. This amino acid position is not well conserved in available vertebrate species. As a missense variant, this alteration is predicted to be tolerated by in silico analysis. In silico splice site analysis predicts that this alteration will weaken the native splice acceptor site; however, direct evidence is insufficient at this time (Ambry internal data). Based on the available evidence, the clinical significance of this variant remains unclear.